The following is an entry in ClinVar:

NM_004656.4(BAP1):c.1537T>C (p.Ser513Pro)

Gene: BAP1 (BRCA1 associated deubiquitinase 1; minus strand). Cytogenetic location: 3p21.1.
Variant type: single nucleotide variant.
Coding change: c.1537T>C on transcript NM_004656.4 (MANE Select); coding-DNA position 1537, T replaced by C.
Protein change: p.Ser513Pro; replaces serine 513 with proline.
Molecular consequence: missense variant.
Genome position (GRCh38, 1-based): chr3:52,403,608, A>G on the plus strand (T>C on the coding strand, the complement: BAP1 is on the minus strand). VCF-style: chr3-52403608-A-G. GRCh37 (hg19) VCF-style: chr3-52437624-A-G.
Other names: short protein forms S513P.
Identifiers: ClinVar variation 840981 (VCV000840981.9), dbSNP rs753373047, ClinGen allele CA2436782.

ClinVar aggregate classification (germline): Uncertain significance. Review status: criteria provided, multiple submitters, no conflicts (2 of 4 stars). 2 submissions from 2 submitters: Uncertain significance (2). Last evaluated 2024-07-08.

Conditions:
Hereditary cancer-predisposing syndrome. Also called: Hereditary Cancer Syndrome; Hereditary neoplastic syndrome; Tumor predisposition; Neoplastic Syndromes, Hereditary. Identifiers: Orphanet 140162, MedGen C0027672, MeSH D009386, MONDO:0015356.
BAP1-related tumor predisposition syndrome (TPDS1). Also called: BAP1 tumor predisposition syndrome; Tumor susceptibility linked to germline BAP1 mutations; COMMON Syndrome; TUMOR PREDISPOSITION SYNDROME 1. Identifiers: Orphanet 289539, MedGen C3280492, MONDO:0013692, OMIM 614327.

Allele frequency attached by ClinVar (database versions not stated): gnomAD exomes below 0.00001; ExAC 0.00001.
gnomAD v4.1: 2 of 1,614,138 alleles (0.00012%); highest among the groups gnomAD compares: South Asian, 0.0022%; no homozygotes.

Submissions (2):

Labcorp Genetics (formerly Invitae), Labcorp
Classification: Uncertain significance for BAP1-related tumor predisposition syndrome. Last evaluated: 2024-07-08. Review status: criteria provided, single submitter. Criteria: Invitae Variant Classification Sherloc (09022015). Collection method: clinical testing. Allele origin: germline.
Comment: This sequence change replaces serine, which is neutral and polar, with proline, which is neutral and non-polar, at codon 513 of the BAP1 protein (p.Ser513Pro). This variant is present in population databases (rs753373047, gnomAD 0.003%). This variant has not been reported in the literature in individuals affected with BAP1-related conditions. ClinVar contains an entry for this variant (Variation ID: 840981). Advanced modeling of protein sequence and biophysical properties (such as structural, functional, and spatial information, amino acid conservation, physicochemical variation, residue mobility, and thermodynamic stability) has been performed at Invitae for this missense variant, however the output from this modeling did not meet the statistical confidence thresholds required to predict the impact of this variant on BAP1 protein function. In summary, the available evidence is currently insufficient to determine the role of this variant in disease. Therefore, it has been classified as a Variant of Uncertain Significance.

Ambry Genetics
Classification: Uncertain significance for Hereditary cancer-predisposing syndrome. Last evaluated: 2022-01-10. Review status: criteria provided, single submitter. Criteria: Ambry Variant Classification Scheme 2023. Collection method: clinical testing. Allele origin: germline.
Comment: The p.S513P variant (also known as c.1537T>C), located in coding exon 13 of the BAP1 gene, results from a T to C substitution at nucleotide position 1537. The serine at codon 513 is replaced by proline, an amino acid with similar properties. This amino acid position is highly conserved in available vertebrate species. In addition, this alteration is predicted to be deleterious by in silico analysis. Since supporting evidence is limited at this time, the clinical significance of this alteration remains unclear.